The following is an entry in ClinVar:

ClinVar aggregate classification (germline): Uncertain significance. Review status: criteria provided, multiple submitters, no conflicts (2 of 4 stars). 2 submissions from 2 submitters: Uncertain significance (2). Last evaluated 2021-11-22.

Conditions:
RASopathy. Also called: rasopathies; Noonan spectrum disorder. Identifiers: Orphanet 536391, MedGen C5555857, MONDO:0021060.
Noonan syndrome and Noonan-related syndrome. Identifiers: Orphanet 98733, MedGen C5681679, MONDO:0020297.

Submissions (2):

Labcorp Genetics (formerly Invitae), Labcorp
Classification: Uncertain significance for RASopathy. Last evaluated: 2021-11-22. Review status: criteria provided, single submitter. Criteria: Invitae Variant Classification Sherloc (09022015). Collection method: clinical testing. Allele origin: germline.
Comment: This sequence change replaces cysteine, which is neutral and slightly polar, with serine, which is neutral and polar, at codon 416 of the CBL protein (p.Cys416Ser). This variant is not present in population databases (gnomAD no frequency). This variant has not been reported in the literature in individuals affected with CBL-related conditions. Advanced modeling of protein sequence and biophysical properties (such as structural, functional, and spatial information, amino acid conservation, physicochemical variation, residue mobility, and thermodynamic stability) performed at Invitae indicates that this missense variant is expected to disrupt CBL protein function. In summary, the available evidence is currently insufficient to determine the role of this variant in disease. Therefore, it has been classified as a Variant of Uncertain Significance.

Genome Diagnostics Laboratory, The Hospital for Sick Children
Classification: Uncertain significance for Noonan syndrome and Noonan-related syndrome. Last evaluated: 2016-12-12. Review status: criteria provided, single submitter. Criteria: ACMG Guidelines, 2015. Collection method: clinical testing. Allele origin: germline.

NM_005188.4(CBL):c.1246T>A (p.Cys416Ser)

Gene: CBL (Cbl proto-oncogene; plus strand). Cytogenetic location: 11q23.3.
Variant type: single nucleotide variant.
Coding change: c.1246T>A on transcript NM_005188.4 (MANE Select); coding-DNA position 1246, T replaced by A.
Protein change: p.Cys416Ser; replaces cysteine 416 with serine.
Molecular consequence: missense variant.
Genome position (GRCh38, 1-based): chr11:119,278,528, T>A. VCF-style: chr11-119278528-T-A. GRCh37 (hg19) VCF-style: chr11-119149238-T-A.
Other names: short protein forms C416S.
Identifiers: ClinVar variation 1334232 (VCV001334232.9), dbSNP rs1949907918, ClinGen allele CA382913759.